The following is an entry in ClinVar:

ClinVar aggregate classification (germline): Uncertain significance. Review status: criteria provided, multiple submitters, no conflicts (2 of 4 stars). 3 submissions from 3 submitters: Uncertain significance (3). Last evaluated 2025-12-19.

Conditions:
Inborn genetic diseases. Identifiers: MedGen C0950123, MeSH D030342.

Allele frequency attached by ClinVar (database versions not stated): gnomAD exomes below 0.00001; TOPMed 0.00002.
gnomAD v4.1: 1 of 1,613,910 alleles (0.000062%); highest among the groups gnomAD compares: African/African-American, 0.0013%; no homozygotes.

Submissions (3):

Ambry Genetics
Classification: Uncertain significance for Inborn genetic diseases. Last evaluated: 2025-12-19. Review status: criteria provided, single submitter. Criteria: Ambry Variant Classification Scheme 2023. Collection method: clinical testing. Allele origin: germline.

Blueprint Genetics
Classification: Uncertain significance. Last evaluated: 2024-08-26. Review status: criteria provided, single submitter. Criteria: ACMG Guidelines, 2015. Collection method: clinical testing. Allele origin: germline.

Labcorp Genetics (formerly Invitae), Labcorp
Classification: Uncertain significance. Last evaluated: 2020-03-26. Review status: criteria provided, single submitter. Criteria: Invitae Variant Classification Sherloc (09022015). Collection method: clinical testing. Allele origin: germline.
Comment: Algorithms developed to predict the effect of missense changes on protein structure and function (SIFT, PolyPhen-2, Align-GVGD) all suggest that this variant is likely to be tolerated, but these predictions have not been confirmed by published functional studies and their clinical significance is uncertain. This sequence change replaces histidine with glutamine at codon 624 of the AGBL5 protein (p.His624Gln). The histidine residue is weakly conserved and there is a small physicochemical difference between histidine and glutamine. This variant is not present in population databases (ExAC no frequency). This variant has not been reported in the literature in individuals with AGBL5-related conditions. In summary, the available evidence is currently insufficient to determine the role of this variant in disease. Therefore, it has been classified as a Variant of Uncertain Significance.

NM_021831.6(AGBL5):c.1872C>A (p.His624Gln)

Gene: AGBL5 (AGBL carboxypeptidase 5; plus strand). Cytogenetic location: 2p23.3.
Variant type: single nucleotide variant.
Coding change: c.1872C>A on transcript NM_021831.6 (MANE Select); coding-DNA position 1872, C replaced by A.
Protein change: p.His624Gln; replaces histidine 624 with glutamine.
Molecular consequence: missense variant. On other transcripts: non-coding transcript variant (2).
Genome position (GRCh38, 1-based): chr2:27,058,600, C>A. VCF-style: chr2-27058600-C-A. GRCh37 (hg19) VCF-style: chr2-27281468-C-A.
Other names: c.1872C>A, p.His624Gln (NM_001035507.3); short protein forms H624Q.
Identifiers: ClinVar variation 861350 (VCV000861350.12), dbSNP rs1241372562, ClinGen allele CA346187112.